The following is an entry in ClinVar:

ClinVar aggregate classification (germline): Uncertain significance (1 of 4 stars; one submission).

Conditions:
Gastrointestinal stromal tumor. Also called: Gastrointestinal stromal tumor, somatic; Gastrointestinal stroma tumor. Identifiers: Orphanet 44890, MedGen C0238198, MeSH D046152, MONDO:0011719, OMIM 606764, HP:0100723.

Submission:

Labcorp Genetics (formerly Invitae), Labcorp
Classification: Uncertain significance for Gastrointestinal stromal tumor. Last evaluated: 2023-12-10. Review status: criteria provided, single submitter. Criteria: Invitae Variant Classification Sherloc (09022015). Collection method: clinical testing. Allele origin: germline.
Comment: This sequence change replaces leucine, which is neutral and non-polar, with proline, which is neutral and non-polar, at codon 526 of the KIT protein (p.Leu526Pro). This variant is not present in population databases (gnomAD no frequency). This variant has not been reported in the literature in individuals affected with KIT-related conditions. An algorithm developed to predict the effect of missense changes on protein structure and function (PolyPhen-2) suggests that this variant is likely to be disruptive. In summary, the available evidence is currently insufficient to determine the role of this variant in disease. Therefore, it has been classified as a Variant of Uncertain Significance.

NM_000222.3(KIT):c.1577T>C (p.Leu526Pro)

Gene: KIT (KIT proto-oncogene, receptor tyrosine kinase; plus strand). Cytogenetic location: 4q12.
Variant type: single nucleotide variant.
Coding change: c.1577T>C on transcript NM_000222.3 (MANE Select); coding-DNA position 1577, T replaced by C.
Protein change: p.Leu526Pro; replaces leucine 526 with proline.
Molecular consequence: missense variant.
Genome position (GRCh38, 1-based): chr4:54,727,254, T>C. VCF-style: chr4-54727254-T-C. GRCh37 (hg19) VCF-style: chr4-55593420-T-C.
Other names: c.1565T>C, p.Leu522Pro (NM_001093772.2, NM_001385286.1); c.1580T>C, p.Leu527Pro (NM_001385284.1, NM_001385290.1); c.1577T>C, p.Leu526Pro (NM_001385285.1); c.1568T>C, p.Leu523Pro (NM_001385288.1, NM_001385292.1); short protein forms L526P, L527P, L522P, L523P.
Identifiers: ClinVar variation 2874271 (VCV002874271.3), dbSNP rs2109773962, ClinGen allele CA356906986.